The following is an entry in ClinVar:

NM_001378024.1(ARHGAP32):c.610C>T (p.Arg204Ter)

Gene: ARHGAP32 (Rho GTPase activating protein 32; minus strand). Cytogenetic location: 11q24.3.
Variant type: single nucleotide variant.
Coding change: c.610C>T on transcript NM_001378024.1 (MANE Select); coding-DNA position 610, C replaced by T.
Protein change: p.Arg204Ter; replaces arginine 204 with a stop codon.
Molecular consequence: nonsense.
Genome position (GRCh38, 1-based): chr11:129,066,790, G>A on the plus strand (C>T on the coding strand, the complement: ARHGAP32 is on the minus strand). VCF-style: chr11-129066790-G-A. GRCh37 (hg19) VCF-style: chr11-128936685-G-A.
Other names: p.Arg204Ter; c.568C>T, p.Arg190Ter (NM_001142685.2); c.448C>T, p.Arg150Ter (NM_001378025.1); short protein forms R150*, R190*, R204*.
Identifiers: ClinVar variation 4532277 (VCV004532277.1).

ClinVar aggregate classification (germline): Likely pathogenic (1 of 4 stars; one submission).

Conditions:
Global developmental delay (DD). Also called: Cognitive delay. Identifiers: MedGen C0557874, HP:0001263. Disease mechanism: loss of function.

gnomAD v4.1: 1 of 1,612,146 alleles (0.000062%); highest among the groups gnomAD compares: Non-Finnish European, 0.000085%; no homozygotes.

Submission:

Medical Genetics Clinic, University of Catania
Classification: Likely pathogenic for Global developmental delay. Last evaluated: 2025-11-26. Review status: criteria provided, single submitter. Criteria: ACMG Guidelines, 2015. Collection method: clinical testing. Allele origin: de novo. Inheritance: Autosomal dominant inheritance. Affected: yes. Observed: 1 heterozygote.
Comment: The c.610C>T (p.Arg204Ter) variant is located in the exon 7 of a total of 23 exons of the ARHGAP32 gene. This alteration results in a premature STOP codon in the corresponding transcript at position 204 (nonsense variant) and is predicted to lead to a loss of normal protein function, either through protein truncation or nonsense-mediated mRNA decay. In silico prediction tools suggest a detrimental effect on the structure/activity of the protein (MutationTaster: disease causing). In the light of the above the c.610C>T (p.Arg204Ter) variant in the ARHGAP32 gene has been classified as a Likely Pathogenic Variant.